The following is an entry in ClinVar:

NM_001267550.2(TTN):c.58788_58795dup (p.Thr19599delinsAsnTer)

Genes: TTN (titin; minus strand), TTN-AS1 (TTN antisense RNA 1; plus strand). Cytogenetic location: 2q31.2.
Variant type: Duplication.
Coding change: c.58788_58795dup on transcript NM_001267550.2 (MANE Select); coding-DNA positions 58788 to 58795, 8 bases duplicated (ATTAGTAA; older notation c.58788_58795dupATTAGTAA).
Protein change: p.Thr19599delinsAsnTer.
Molecular consequence: nonsense.
Genome position (GRCh38, 1-based): chr2:178,593,413-178,593,420, TTACTAAT duplicated on the plus strand (ATTAGTAA on the coding strand, the reverse complement: TTN is on the minus strand). VCF-style (leftmost placement, unchanged base first): chr2-178593412-G-GTTACTAAT. GRCh37 (hg19) VCF-style: chr2-179458139-G-GTTACTAAT.
Other names: c.53865_53872dup, p.Thr17958delinsAsnTer (NM_001256850.1); c.31593_31600dup, p.Thr10534delinsAsnTer (NM_003319.4); c.51084_51091dup, p.Thr17031delinsAsnTer (NM_133378.4); c.31968_31975dup, p.Thr10659delinsAsnTer (NM_133432.3); c.32169_32176dup, p.Thr10726delinsAsnTer (NM_133437.4); c.31593_31600dupATTAGTAA (NM_003319.4).
Identifiers: ClinVar variation 1728257 (VCV001728257.2), dbSNP rs2469577137, ClinGen allele CA2580064897.

ClinVar aggregate classification (germline): Likely pathogenic (1 of 4 stars; one submission).

Conditions:
Cardiovascular phenotype. Identifiers: MedGen CN230736.

Submission:

Ambry Genetics
Classification: Likely pathogenic for Cardiovascular phenotype. Last evaluated: 2020-03-18. Review status: criteria provided, single submitter. Criteria: Ambry Variant Classification Scheme 2023. Collection method: clinical testing. Allele origin: germline.
Comment: The c.31593_31600dupATTAGTAA variant, located in coding exon 126 of the TTN gene, results from a duplication of ATTAGTAA at nucleotide position 31593, causing a translational frameshift with a predicted alternate stop codon (p.T10534Nfs*2). This exon is located in the A-band region of the N2-B isoform of the titin protein and is constitutively expressed in TTN transcripts (percent spliced in or PSI 100%). This alteration is expected to result in loss of function by premature protein truncation or nonsense-mediated mRNA decay. While truncating variants in TTN are present in 1-3% of the general population, truncating variants in the A-band are the most common cause of dilated cardiomyopathy (DCM) (Herman DS et al. N. Engl. J. Med., 2012 Feb;366:619-28; Roberts AM et al. Sci Transl Med, 2015 Jan;7:270ra6). TTN truncating variants encoded in constitutive exons (PSI >90%) have been found to be significantly associated with DCM regardless of their position in titin (Schafer S et al. Nat. Genet., 2017 01;49:46-53). As such, this alteration is classified as likely pathogenic.